The following is an entry in ClinVar:

ClinVar aggregate classification (germline): Benign. Review status: criteria provided, single submitter (1 of 4 stars). 2 submissions from 2 submitters: Benign (1). 1 of the submissions does not count toward it. Last evaluated 2025-10-26.

Conditions:
ROBO2-related disorder. Also called: ROBO2-related condition.

Allele frequency attached by ClinVar (database versions not stated): 1000 Genomes Project 30x 0.00062; 1000 Genomes Project 0.00080; gnomAD 0.00015; ExAC 0.00065.
gnomAD v4.1: 475 of 1,612,086 alleles (0.029%); highest among the groups gnomAD compares: South Asian, 0.5%; 6 homozygotes.

Submissions (2):

Labcorp Genetics (formerly Invitae), Labcorp
Classification: Benign. Last evaluated: 2025-10-26. Review status: criteria provided, single submitter. Criteria: Invitae Variant Classification Sherloc (09022015). Collection method: clinical testing. Allele origin: germline.

PreventionGenetics, part of Exact Sciences
Classification: Benign for ROBO2-related condition. Last evaluated: 2020-01-13. Review status: no assertion criteria provided. Collection method: clinical testing. Allele origin: germline. Not counted in ClinVar's aggregate classification.
Comment: This variant is classified as benign based on ACMG/AMP sequence variant interpretation guidelines (Richards et al. 2015 PMID: 25741868, with internal and published modifications).

NM_001395656.1(ROBO2):c.1516G>T (p.Val506Leu)

Gene: ROBO2 (roundabout guidance receptor 2; plus strand). Cytogenetic location: 3p12.3.
Variant type: single nucleotide variant.
Coding change: c.1516G>T on transcript NM_001395656.1 (MANE Select); coding-DNA position 1516, G replaced by T.
Protein change: p.Val506Leu; replaces valine 506 with leucine.
Molecular consequence: missense variant. On other transcripts: 5 prime UTR variant (1).
Genome position (GRCh38, 1-based): chr3:77,562,717, G>T. VCF-style: chr3-77562717-G-T. GRCh37 (hg19) VCF-style: chr3-77611868-G-T.
Other names: c.1552G>T, p.Val518Leu (NM_001128929.3); c.1516G>T, p.Val506Leu (NM_001290039.2, NM_001290040.2, NM_001378202.1); c.-415G>T (NM_001290065.2); c.1564G>T, p.Val522Leu (NM_001378190.1, NM_001378200.1, NM_001378201.1 and 4 more transcripts); c.1573G>T, p.Val525Leu (NM_001394212.1, NM_001394214.1, NM_001395657.1); c.1585G>T, p.Val529Leu (NM_001394213.1, NM_001378192.1, NM_001378194.1 and 2 more transcripts); c.1504G>T, p.Val502Leu (NM_002942.5, NM_001378193.1, NM_001378197.1); short protein forms V506L, V525L, V522L, V518L, V529L, V502L.
Identifiers: ClinVar variation 2895244 (VCV002895244.5), dbSNP rs562416957, ClinGen allele CA2497073.